The following is an entry in ClinVar:

NM_032638.5(GATA2):c.682C>T (p.Pro228Ser)

Gene: GATA2 (GATA binding protein 2; minus strand). Cytogenetic location: 3q21.3.
Variant type: single nucleotide variant.
Coding change: c.682C>T on transcript NM_032638.5 (MANE Select); coding-DNA position 682, C replaced by T.
Protein change: p.Pro228Ser; replaces proline 228 with serine.
Molecular consequence: missense variant.
Genome position (GRCh38, 1-based): chr3:128,485,916, G>A on the plus strand (C>T on the coding strand, the complement: GATA2 is on the minus strand). VCF-style: chr3-128485916-G-A. GRCh37 (hg19) VCF-style: chr3-128204759-G-A.
Other names: c.682C>T, p.Pro228Ser (NM_001145661.2, NM_001145662.1); short protein forms P228S.
Identifiers: ClinVar variation 1319420 (VCV001319420.13), dbSNP rs375298899, ClinGen allele CA2599978.
Genomic context (GRCh38, chr3:128,485,916, plus strand): 5'-TGGGGATGGGGTGGTGTGTAGCAGGCTGGGTGCCCATAGTAGCTAGGCCTGGGCGCAGGG[G>A]ACTGCCACTTTCCATCTTCATGCTCTCCGTCAGTGACACCTGGTACTTGACGCCGTCCTT-3'
Protein context (NP_116027.2, residues 218-238): TESMKMESGS[Pro228Ser]LRPGLATMGT

ClinVar aggregate classification (germline): Uncertain significance. Review status: criteria provided, multiple submitters, no conflicts (2 of 4 stars). 3 submissions from 3 submitters: Uncertain significance (3). Last evaluated 2025-04-30.

Conditions:
Inborn genetic diseases. Identifiers: MedGen C0950123, MeSH D030342.
Deafness-lymphedema-leukemia syndrome. Also called: Lymphedema, primary, with myelodysplasia; Emberger syndrome. Identifiers: Orphanet 3226, MedGen C3279664, MONDO:0013540, OMIM 614038.
Monocytopenia with susceptibility to infections. Also called: Dendritic cell, monocyte, B lymphocyte, and natural killer lymphocyte deficiency; IMMUNODEFICIENCY 21; GATA2 DEFICIENCY; MONOCYTOPENIA AND MYCOBACTERIAL INFECTION SYNDROME; MONOCYTOPENIA WITH SUSCEPTIBILITY TO MYCOBACTERIAL, FUNGAL, AND PAPILLOMAVIRUS INFECTIONS AND MYELODYSPLASIA; COMBINED IMMUNODEFICIENCY WITH SUSCEPTIBILITY TO MYCOBACTERIAL, VIRAL, AND FUNGAL INFECTIONS. Identifiers: Orphanet 228423, MedGen C3280030, MONDO:0013607, OMIM 614172.

Allele frequency attached by ClinVar (database versions not stated): gnomAD exomes below 0.00001; ExAC 0.00001.
gnomAD v4.1: 4 of 1,614,168 alleles (0.00025%); highest among the groups gnomAD compares: Non-Finnish European, 0.00017%; no homozygotes.

Submissions (3):

Ambry Genetics
Classification: Uncertain significance for Inborn genetic diseases. Last evaluated: 2025-04-30. Review status: criteria provided, single submitter. Criteria: Ambry Variant Classification Scheme 2023. Collection method: clinical testing. Allele origin: germline.

Labcorp Genetics (formerly Invitae), Labcorp
Classification: Uncertain significance for Monocytopenia with susceptibility to infections; Deafness-lymphedema-leukemia syndrome. Last evaluated: 2023-11-10. Review status: criteria provided, single submitter. Criteria: Invitae Variant Classification Sherloc (09022015). Collection method: clinical testing. Allele origin: germline.
Comment: This sequence change replaces proline, which is neutral and non-polar, with serine, which is neutral and polar, at codon 228 of the GATA2 protein (p.Pro228Ser). This variant is present in population databases (rs375298899, gnomAD 0.0009%). This variant has not been reported in the literature in individuals affected with GATA2-related conditions. ClinVar contains an entry for this variant (Variation ID: 1319420). Advanced modeling of protein sequence and biophysical properties (such as structural, functional, and spatial information, amino acid conservation, physicochemical variation, residue mobility, and thermodynamic stability) performed at Invitae indicates that this missense variant is not expected to disrupt GATA2 protein function with a negative predictive value of 95%. In summary, the available evidence is currently insufficient to determine the role of this variant in disease. Therefore, it has been classified as a Variant of Uncertain Significance.

Institute for Clinical Genetics, University Hospital TU Dresden, University Hospital TU Dresden
Classification: Uncertain significance. Last evaluated: 2021-11-03. Review status: criteria provided, single submitter. Criteria: ACMG Guidelines, 2015. Collection method: clinical testing. Allele origin: germline.